The following is an entry in ClinVar:

ClinVar aggregate classification (germline): Conflicting classifications of pathogenicity. Review status: criteria provided, conflicting classifications (1 of 4 stars). 6 submissions from 6 submitters: Uncertain significance (1); Benign (2); Likely benign (2). 1 of the submissions does not count toward it. Last evaluated 2026-02-02.

Conditions:
Retinitis pigmentosa (RP). Identifiers: Orphanet 791, MedGen C0035334, MeSH D012174, MONDO:0019200, OMIM 268000. Inheritance: Autosomal dominant, autosomal recessive and X linked inheritance.
Retinitis pigmentosa 38 (RP38). Also called: ROD-CONE DYSTROPHY, CHILDHOOD-ONSET. Identifiers: Orphanet 791, MedGen C3151228, MONDO:0013469, OMIM 613862.

Allele frequency attached by ClinVar (database versions not stated): gnomAD exomes 0.03693 and 0.04124; 1000 Genomes Project 0.01737; TOPMed 0.03318; gnomAD 0.03355 and 0.03294; ESP Exome Variant Server 0.03506; ExAC 0.05467; 1000 Genomes Project 30x 0.01733.
gnomAD v4.1: 64,669 of 1,591,892 alleles (4.1%); highest among the groups gnomAD compares: Middle Eastern, 7.5%; 1,690 homozygotes.

Submissions 1 to 29 of 44:

Labcorp Genetics (formerly Invitae), Labcorp
Classification: Benign. Last evaluated: 2026-02-02. Review status: criteria provided, single submitter. Criteria: Invitae Variant Classification Sherloc (09022015). Collection method: clinical testing. Allele origin: germline.

DBGen Ocular Genomics
Classification: Uncertain significance for Retinitis pigmentosa 38. Last evaluated: 2021-01-01. Review status: criteria provided, single submitter. Criteria: ACMG Guidelines, 2015. Collection method: clinical testing. Allele origin: unknown. Inheritance: Autosomal recessive inheritance. Affected: yes.
Comment: Class 3 ACMG Guidelines, 2015

Illumina Laboratory Services, Illumina
Classification: Likely benign for Retinitis pigmentosa. Last evaluated: 2018-01-13. Review status: criteria provided, single submitter. Criteria: ICSL Variant Classification Criteria 13 December 2019. Collection method: clinical testing. Allele origin: germline.
Comment: This variant was observed in the ICSL laboratory as part of a predisposition screen in an ostensibly healthy population. It had not been previously curated by ICSL or reported in the Human Gene Mutation Database (HGMD: prior to June 1st, 2018), and was therefore a candidate for classification through an automated scoring system. Utilizing variant allele frequency, disease prevalence and penetrance estimates, and inheritance mode, an automated score was calculated to assess if this variant is too frequent to cause the disease. Based on the score and internal cut-off values, a variant classified as likely benign is not then subjected to further curation. The score for this variant resulted in a classification of likely benign for this disease.

Eurofins Ntd Llc (ga)
Classification: Benign. Last evaluated: 2013-08-20. Review status: criteria provided, single submitter. Criteria: EGL Classification Definitions 2015. Collection method: clinical testing. Allele origin: germline. Observed: 2 variant alleles, 2 heterozygotes.

Breakthrough Genomics
Classification: Likely benign. Review status: criteria provided, single submitter. Criteria: ACMG Guidelines, 2015. Collection method: not provided. Allele origin: germline. Inheritance: Autosomal recessive inheritance. Affected: yes.

Dr. Peter K. Rogan Lab, Western University
No classification provided (evidence only). Condition: Acute myeloid leukemia. Review status: no classification provided. Collection method: in vitro. Allele origin: not applicable. Functional consequence: retained intron. Not counted in ClinVar's aggregate classification.

Dr. Peter K. Rogan Lab, Western University
No classification provided (evidence only). Condition: Acute myeloid leukemia. Review status: no classification provided. Collection method: in vitro. Allele origin: not applicable. Functional consequence: retained intron. Not counted in ClinVar's aggregate classification.

Dr. Peter K. Rogan Lab, Western University
No classification provided (evidence only). Condition: Thyroid cancer, nonmedullary, 1. Review status: no classification provided. Collection method: in vitro. Allele origin: not applicable. Functional consequence: retained intron. Not counted in ClinVar's aggregate classification.

Dr. Peter K. Rogan Lab, Western University
No classification provided (evidence only). Condition: Cervical cancer. Review status: no classification provided. Collection method: in vitro. Allele origin: not applicable. Functional consequence: retained intron. Not counted in ClinVar's aggregate classification.

Dr. Peter K. Rogan Lab, Western University
No classification provided (evidence only). Condition: Sarcoma. Review status: no classification provided. Collection method: in vitro. Allele origin: not applicable. Functional consequence: retained intron. Not counted in ClinVar's aggregate classification.

Dr. Peter K. Rogan Lab, Western University
No classification provided (evidence only). Condition: Sarcoma. Review status: no classification provided. Collection method: in vitro. Allele origin: not applicable. Functional consequence: retained intron. Not counted in ClinVar's aggregate classification.

Dr. Peter K. Rogan Lab, Western University
No classification provided (evidence only). Condition: Sarcoma. Review status: no classification provided. Collection method: in vitro. Allele origin: not applicable. Functional consequence: retained intron. Not counted in ClinVar's aggregate classification.

Dr. Peter K. Rogan Lab, Western University
No classification provided (evidence only). Condition: Sarcoma. Review status: no classification provided. Collection method: in vitro. Allele origin: not applicable. Functional consequence: retained intron. Not counted in ClinVar's aggregate classification.

Dr. Peter K. Rogan Lab, Western University
No classification provided (evidence only). Condition: Nonpapillary renal cell carcinoma. Review status: no classification provided. Collection method: in vitro. Allele origin: not applicable. Functional consequence: retained intron. Not counted in ClinVar's aggregate classification.

Dr. Peter K. Rogan Lab, Western University
No classification provided (evidence only). Condition: Nonpapillary renal cell carcinoma. Review status: no classification provided. Collection method: in vitro. Allele origin: not applicable. Functional consequence: retained intron. Not counted in ClinVar's aggregate classification.

Dr. Peter K. Rogan Lab, Western University
No classification provided (evidence only). Condition: Thymoma. Review status: no classification provided. Collection method: in vitro. Allele origin: not applicable. Functional consequence: retained intron. Not counted in ClinVar's aggregate classification.

Dr. Peter K. Rogan Lab, Western University
No classification provided (evidence only). Condition: Adrenocortical carcinoma, hereditary. Review status: no classification provided. Collection method: in vitro. Allele origin: not applicable. Functional consequence: retained intron. Not counted in ClinVar's aggregate classification.

Dr. Peter K. Rogan Lab, Western University
No classification provided (evidence only). Condition: Adrenocortical carcinoma, hereditary. Review status: no classification provided. Collection method: in vitro. Allele origin: not applicable. Functional consequence: retained intron. Not counted in ClinVar's aggregate classification.

Dr. Peter K. Rogan Lab, Western University
No classification provided (evidence only). Condition: Uterine carcinosarcoma. Review status: no classification provided. Collection method: in vitro. Allele origin: not applicable. Functional consequence: retained intron. Not counted in ClinVar's aggregate classification.

Dr. Peter K. Rogan Lab, Western University
No classification provided (evidence only). Condition: Malignant tumor of esophagus. Review status: no classification provided. Collection method: in vitro. Allele origin: not applicable. Functional consequence: retained intron. Not counted in ClinVar's aggregate classification.

Dr. Peter K. Rogan Lab, Western University
No classification provided (evidence only). Condition: Malignant tumor of esophagus. Review status: no classification provided. Collection method: in vitro. Allele origin: not applicable. Functional consequence: retained intron. Not counted in ClinVar's aggregate classification.

Dr. Peter K. Rogan Lab, Western University
No classification provided (evidence only). Condition: Malignant tumor of esophagus. Review status: no classification provided. Collection method: in vitro. Allele origin: not applicable. Functional consequence: retained intron. Not counted in ClinVar's aggregate classification.

Dr. Peter K. Rogan Lab, Western University
No classification provided (evidence only). Condition: Malignant tumor of esophagus. Review status: no classification provided. Collection method: in vitro. Allele origin: not applicable. Functional consequence: retained intron. Not counted in ClinVar's aggregate classification.

Dr. Peter K. Rogan Lab, Western University
No classification provided (evidence only). Condition: Malignant tumor of esophagus. Review status: no classification provided. Collection method: in vitro. Allele origin: not applicable. Functional consequence: retained intron. Not counted in ClinVar's aggregate classification.

Dr. Peter K. Rogan Lab, Western University
No classification provided (evidence only). Condition: Malignant tumor of esophagus. Review status: no classification provided. Collection method: in vitro. Allele origin: not applicable. Functional consequence: retained intron. Not counted in ClinVar's aggregate classification.

Dr. Peter K. Rogan Lab, Western University
No classification provided (evidence only). Condition: Chronic lymphocytic leukemia/small lymphocytic lymphoma. Review status: no classification provided. Collection method: in vitro. Allele origin: not applicable. Functional consequence: retained intron. Not counted in ClinVar's aggregate classification.

Dr. Peter K. Rogan Lab, Western University
No classification provided (evidence only). Condition: Chronic lymphocytic leukemia/small lymphocytic lymphoma. Review status: no classification provided. Collection method: in vitro. Allele origin: not applicable. Functional consequence: retained intron. Not counted in ClinVar's aggregate classification.

Dr. Peter K. Rogan Lab, Western University
No classification provided (evidence only). Condition: Chronic lymphocytic leukemia/small lymphocytic lymphoma. Review status: no classification provided. Collection method: in vitro. Allele origin: not applicable. Functional consequence: retained intron. Not counted in ClinVar's aggregate classification.

Dr. Peter K. Rogan Lab, Western University
No classification provided (evidence only). Condition: Nonpapillary renal cell carcinoma. Review status: no classification provided. Collection method: in vitro. Allele origin: not applicable. Functional consequence: retained intron. Not counted in ClinVar's aggregate classification.

NM_006343.3(MERTK):c.60A>T (p.Arg20Ser)

Gene: MERTK (MER proto-oncogene, tyrosine kinase; plus strand). Cytogenetic location: 2q13.
Variant type: single nucleotide variant.
Coding change: c.60A>T on transcript NM_006343.3 (MANE Select); coding-DNA position 60, A replaced by T.
Protein change: p.Arg20Ser; replaces arginine 20 with serine.
Molecular consequence: missense variant.
Genome position (GRCh38, 1-based): chr2:111,898,795, A>T. VCF-style: chr2-111898795-A-T. GRCh37 (hg19) VCF-style: chr2-112656372-A-T.
Other names: short protein forms R20S.
Identifiers: ClinVar variation 95372 (VCV000095372.21), dbSNP rs35898499, ClinGen allele CA148491.